The following is an entry in ClinVar:

ClinVar aggregate classification (germline): Uncertain significance (1 of 4 stars; one submission).

Allele frequency attached by ClinVar (database versions not stated): gnomAD exomes below 0.00001; ExAC 0.00001.
gnomAD v4.1: 5 of 1,614,236 alleles (0.00031%); highest among the groups gnomAD compares: South Asian, 0.0011%; no homozygotes.

Submission:

Labcorp Genetics (formerly Invitae), Labcorp
Classification: Uncertain significance. Last evaluated: 2021-06-15. Review status: criteria provided, single submitter. Criteria: Invitae Variant Classification Sherloc (09022015). Collection method: clinical testing. Allele origin: germline.
Comment: This sequence change replaces glutamic acid with lysine at codon 323 of the DTNBP1 protein (p.Glu323Lys). The glutamic acid residue is highly conserved and there is a small physicochemical difference between glutamic acid and lysine. In summary, the available evidence is currently insufficient to determine the role of this variant in disease. Therefore, it has been classified as a Variant of Uncertain Significance. Algorithms developed to predict the effect of missense changes on protein structure and function are either unavailable or do not agree on the potential impact of this missense change (SIFT: "Deleterious"; PolyPhen-2: "Probably Damaging"; Align-GVGD: "Class C15"). This variant has not been reported in the literature in individuals with DTNBP1-related conditions. This variant is present in population databases (rs775943974, ExAC 0.006%).

NM_032122.5(DTNBP1):c.967G>A (p.Glu323Lys)

Gene: DTNBP1 (dystrobrevin binding protein 1; minus strand). Cytogenetic location: 6p22.3.
Variant type: single nucleotide variant.
Coding change: c.967G>A on transcript NM_032122.5 (MANE Select); coding-DNA position 967, G replaced by A.
Protein change: p.Glu323Lys; replaces glutamic acid 323 with lysine.
Molecular consequence: missense variant.
Genome position (GRCh38, 1-based): chr6:15,523,064, C>T on the plus strand (G>A on the coding strand, the complement: DTNBP1 is on the minus strand). VCF-style: chr6-15523064-C-T. GRCh37 (hg19) VCF-style: chr6-15523295-C-T.
Other names: c.724G>A, p.Glu242Lys (NM_001271667.2); c.916G>A, p.Glu306Lys (NM_001271668.2); c.862G>A, p.Glu288Lys (NM_001271669.2); short protein forms E242K, E323K, E288K, E306K.
Identifiers: ClinVar variation 1468295 (VCV001468295.8), dbSNP rs775943974, ClinGen allele CA3643665.